The following is an entry in ClinVar:

ClinVar aggregate classification (germline): Uncertain significance. Review status: criteria provided, multiple submitters, no conflicts (2 of 4 stars). 3 submissions from 3 submitters: Uncertain significance (3). Last evaluated 2025-11-09.

Conditions:
Dilated cardiomyopathy 1DD (CMD1DD). Identifiers: Orphanet 154, MedGen C2750995, MONDO:0013168, OMIM 613172.

Allele frequency attached by ClinVar (database versions not stated): gnomAD exomes below 0.00001; TOPMed 0.00001.
gnomAD v4.1: 5 of 1,551,674 alleles (0.00032%); highest among the groups gnomAD compares: East Asian, 0.0024%; no homozygotes.

Submissions (3):

Victorian Clinical Genetics Services, Murdoch Childrens Research Institute
Classification: Uncertain significance for Dilated cardiomyopathy 1DD. Last evaluated: 2025-11-09. Review status: criteria provided, single submitter. Criteria: ACMG Guidelines, 2015. Collection method: clinical testing. Allele origin: germline. Affected: yes.
Comment: This variant is classified as VUS-3B. Evidence in support of pathogenic classification: Variant is present in gnomAD <0.001 for a dominant condition (v4: 5 heterozygote(s), 0 homozygote(s)). Additional information: Variant is predicted to result in a missense amino acid change from Gly to Arg; This variant is heterozygous; This gene is associated with autosomal dominant disease; Previous evidence of pathogenicity for this variant is inconclusive. This variant has been classified as a VUS by clinical laboratories in ClinVar, and reported in the literature (c.2689G>A resulting in same amino acid substitution) in one individual with DCM who also harboured an NMD-predicted variant in the TTN gene (PMID: 39844436); No published evidence of segregation with disease has been identified for this variant; No published functional evidence has been identified for this variant; No comparable missense variants have previous evidence for pathogenicity; Variant is not located in an established domain, motif, hotspot or informative constraint region; Missense variant with inconclusive in silico prediction and uninformative conservation; Loss of function is a likely mechanism of disease in this gene and is associated with dilated cardiomyopathy 1DD (MIM#613172) (PMIDs: 27496873, 34575212). While some publications suggest a dominant negative mechanism for variants in the hotspot region affecting residues between 630 and 640 (PMIDs: 32187365, 29895960), haploinsufficiency has been shown by a recent paper for a single missense variant (PMID: 32840935). Gain of function has also been suggested (PMID: 34575212); Inheritance information for this variant is not currently available in this individual.

Labcorp Genetics (formerly Invitae), Labcorp
Classification: Uncertain significance for Dilated cardiomyopathy 1DD. Last evaluated: 2025-10-28. Review status: criteria provided, single submitter. Criteria: Invitae Variant Classification Sherloc (09022015). Collection method: clinical testing. Allele origin: germline.
Comment: This sequence change replaces glycine, which is neutral and non-polar, with arginine, which is basic and polar, at codon 897 of the RBM20 protein (p.Gly897Arg). This variant is not present in population databases (gnomAD no frequency). This variant has not been reported in the literature in individuals affected with RBM20-related conditions. ClinVar contains an entry for this variant (Variation ID: 581587). Invitae Evidence Modeling of protein sequence and biophysical properties (such as structural, functional, and spatial information, amino acid conservation, physicochemical variation, residue mobility, and thermodynamic stability) indicates that this missense variant is not expected to disrupt RBM20 protein function with a negative predictive value of 95%. In summary, the available evidence is currently insufficient to determine the role of this variant in disease. Therefore, it has been classified as a Variant of Uncertain Significance.

Fulgent Genetics
Classification: Uncertain significance for Dilated cardiomyopathy 1DD. Last evaluated: 2021-11-17. Review status: criteria provided, single submitter. Criteria: ACMG Guidelines, 2015. Collection method: clinical testing. Allele origin: unknown.

Literature cited by the submitters: PubMed 39844436 (cited by Victorian Clinical Genetics Services, Murdoch Childrens Research Institute); PubMed 27496873 (cited by Victorian Clinical Genetics Services, Murdoch Childrens Research Institute); PubMed 32187365 (cited by Victorian Clinical Genetics Services, Murdoch Childrens Research Institute); PubMed 29895960 (cited by Victorian Clinical Genetics Services, Murdoch Childrens Research Institute); PubMed 34575212 (cited by Victorian Clinical Genetics Services, Murdoch Childrens Research Institute); PubMed 32840935 (cited by Victorian Clinical Genetics Services, Murdoch Childrens Research Institute).

NM_001134363.3(RBM20):c.2689G>C (p.Gly897Arg)

Gene: RBM20 (RNA binding motif protein 20; plus strand). Cytogenetic location: 10q25.2.
Variant type: single nucleotide variant.
Coding change: c.2689G>C on transcript NM_001134363.3 (MANE Select); coding-DNA position 2689, G replaced by C.
Protein change: p.Gly897Arg; replaces glycine 897 with arginine.
Molecular consequence: missense variant.
Genome position (GRCh38, 1-based): chr10:110,821,308, G>C. VCF-style: chr10-110821308-G-C. GRCh37 (hg19) VCF-style: chr10-112581066-G-C.
Other names: short protein forms G897R.
Identifiers: ClinVar variation 581587 (VCV000581587.12), dbSNP rs982286757, ClinGen allele CA213229280.
Genomic context (GRCh38, chr10:110,821,308, plus strand): 5'-TGACCTCCATTCTGCATTTTTGTACAGGAACAAGATTGGGAGAGTGAAAGTGAGGCAGAG[G>C]GGGAGAGCTGGTATCCCACTAACATGGAGGAGCTGGTGACAGTGGACGAGGTTGGGGAAG-3'
Protein context (NP_001127835.2, residues 887-907): QDWESESEAE[Gly897Arg]ESWYPTNMEE